The following is an entry in ClinVar:

ClinVar aggregate classification (germline): Uncertain significance. Review status: criteria provided, multiple submitters, no conflicts (2 of 4 stars). 3 submissions from 3 submitters: Uncertain significance (3). Last evaluated 2025-11-03.

Conditions:
Global developmental delay - lung cysts - overgrowth - Wilms tumor syndrome. Also called: GLOW Syndrome; GLOBAL DEVELOPMENTAL DELAY, LUNG CYSTS, OVERGROWTH, AND WILMS TUMOR. Identifiers: Orphanet 404476, MedGen C4748924, MONDO:0018445, OMIM 618272.
DICER1-related tumor predisposition. Also called: DICER1-related pleuropulmonary blastoma cancer predisposition syndrome; DICER1 syndrome. Identifiers: Orphanet 284343, MedGen C3839822, MONDO:0100216.
Hereditary cancer-predisposing syndrome. Also called: Tumor predisposition; Neoplastic Syndromes, Hereditary; Hereditary Cancer Syndrome; Hereditary neoplastic syndrome. Identifiers: Orphanet 140162, MedGen C0027672, MeSH D009386, MONDO:0015356.

Submissions (3):

Ambry Genetics
Classification: Uncertain significance for Hereditary cancer-predisposing syndrome. Last evaluated: 2025-11-03. Review status: criteria provided, single submitter. Criteria: Ambry Variant Classification Scheme 2023. Collection method: clinical testing. Allele origin: germline.
Comment: The p.R1599L variant (also known as c.4796G>T), located in coding exon 22 of the DICER1 gene, results from a G to T substitution at nucleotide position 4796. The arginine at codon 1599 is replaced by leucine, an amino acid with dissimilar properties. This amino acid position is not well conserved in available vertebrate species. In addition, this alteration is predicted to be tolerated by in silico analysis. Based on the available evidence, the clinical significance of this variant remains unclear.

Labcorp Genetics (formerly Invitae), Labcorp
Classification: Uncertain significance for DICER1-related tumor predisposition. Last evaluated: 2024-05-01. Review status: criteria provided, single submitter. Criteria: Invitae Variant Classification Sherloc (09022015). Collection method: clinical testing. Allele origin: germline.
Comment: This sequence change replaces arginine, which is basic and polar, with leucine, which is neutral and non-polar, at codon 1599 of the DICER1 protein (p.Arg1599Leu). This variant is not present in population databases (gnomAD no frequency). This variant has not been reported in the literature in individuals affected with DICER1-related conditions. ClinVar contains an entry for this variant (Variation ID: 477219). An algorithm developed to predict the effect of missense changes on protein structure and function (PolyPhen-2) suggests that this variant is likely to be tolerated. In summary, the available evidence is currently insufficient to determine the role of this variant in disease. Therefore, it has been classified as a Variant of Uncertain Significance.

Baylor Genetics
Classification: Uncertain significance for Global developmental delay - lung cysts - overgrowth - Wilms tumor syndrome. Last evaluated: 2024-03-24. Review status: criteria provided, single submitter. Criteria: ACMG Guidelines, 2015. Collection method: clinical testing. Allele origin: unknown.

NM_177438.3(DICER1):c.4796G>T (p.Arg1599Leu)

Gene: DICER1 (dicer 1, ribonuclease III; minus strand). Cytogenetic location: 14q32.13.
Variant type: single nucleotide variant.
Coding change: c.4796G>T on transcript NM_177438.3 (MANE Select); coding-DNA position 4796, G replaced by T.
Protein change: p.Arg1599Leu; replaces arginine 1599 with leucine.
Molecular consequence: missense variant.
Genome position (GRCh38, 1-based): chr14:95,096,124, C>A on the plus strand (G>T on the coding strand, the complement: DICER1 is on the minus strand). VCF-style: chr14-95096124-C-A. GRCh37 (hg19) VCF-style: chr14-95562461-C-A.
Other names: c.4796G>T, p.Arg1599Leu (NM_001195573.1, NM_001271282.3, NM_001291628.2 and 1 more transcripts); short protein forms R1599L.
Identifiers: ClinVar variation 477219 (VCV000477219.18), dbSNP rs569615549, ClinGen allele CA390867142.